The following is an entry in ClinVar:

NM_004006.3(DMD):c.1094A>G (p.Gln365Arg)

Gene: DMD (dystrophin; minus strand). Cytogenetic location: Xp21.1.
Variant type: single nucleotide variant.
Coding change: c.1094A>G on transcript NM_004006.3 (MANE Select); coding-DNA position 1094, A replaced by G.
Protein change: p.Gln365Arg; replaces glutamine 365 with arginine.
Molecular consequence: missense variant.
Genome position (GRCh38, 1-based): chrX:32,645,019, T>C on the plus strand (A>G on the coding strand, the complement: DMD is on the minus strand). VCF-style: chrX-32645019-T-C. GRCh37 (hg19) VCF-style: chrX-32663136-T-C.
Other names: c.1070A>G, p.Gln357Arg (NM_000109.4); c.1082A>G, p.Gln361Arg (NM_004009.3); c.725A>G, p.Gln242Arg (NM_004010.3); short protein forms Q365R, Q357R, Q361R, Q242R.
Identifiers: ClinVar variation 455857 (VCV000455857.16), dbSNP rs1216968523, ClinGen allele CA412661885.

ClinVar aggregate classification (germline): Conflicting classifications of pathogenicity. Review status: criteria provided, conflicting classifications (1 of 4 stars). 6 submissions from 6 submitters: Uncertain significance (4); Benign (1). 1 of the submissions does not count toward it. Last evaluated 2025-11-27.

Conditions:
Becker muscular dystrophy (BMD). Also called: MUSCULAR DYSTROPHY, PSEUDOHYPERTROPHIC PROGRESSIVE, BECKER TYPE; Becker Muscular Dystrophy (BMD). Identifiers: Orphanet 98895, MedGen C0917713, MONDO:0010311, OMIM 300376.
Cardiomyopathy (CMYO). Also called: Cardiomyopathies. Identifiers: Orphanet 167848, MedGen C0878544, MONDO:0004994, HP:0001638. Inheritance: Various modes of inheritance.
Duchenne muscular dystrophy (DMD). Also called: MUSCULAR DYSTROPHY, PSEUDOHYPERTROPHIC PROGRESSIVE, DUCHENNE TYPE; Duchenne Muscular Dystrophy (DMD). Identifiers: Orphanet 98896, MedGen C0013264, MONDO:0010679, OMIM 310200.
Dystrophin deficiency.
Cardiovascular phenotype. Identifiers: MedGen CN230736.
Dilated cardiomyopathy 3B (CMD3B). Also called: CMD3B: DMD-Related Dilated Cardiomyopathy; CARDIOMYOPATHY, DILATED, X-LINKED; DMD-Associated Dilated Cardiomyopathy. Identifiers: Orphanet 154, MedGen C3668940, MONDO:0010542, OMIM 302045.

Allele frequency attached by ClinVar (database versions not stated): gnomAD exomes below 0.00001 and 0.00001; gnomAD 0.00002; TOPMed 0.00003.
gnomAD v4.1: 4 of 1,209,943 alleles (0.00033%); highest among the groups gnomAD compares: African/African-American, 0.0052%; no homozygotes.

Submissions (6):

Labcorp Genetics (formerly Invitae), Labcorp
Classification: Benign for Duchenne muscular dystrophy. Last evaluated: 2025-11-27. Review status: criteria provided, single submitter. Criteria: Invitae Variant Classification Sherloc (09022015). Collection method: clinical testing. Allele origin: germline.

ARUP Laboratories, Molecular Genetics and Genomics, ARUP Laboratories
Classification: Uncertain significance. Last evaluated: 2024-01-11. Review status: criteria provided, single submitter. Criteria: ARUP Molecular Germline Variant Investigation Process 2024. Collection method: clinical testing. Allele origin: germline.
Comment: The DMD c.1094A>G; p.Gln365Arg variant (rs1216968523), to our knowledge, is not reported in the medical literature but is reported in ClinVar (Variation ID: 455857). This variant is only found on one allele in the Genome Aggregation Database (v2.1.1), indicating it is not a common polymorphism. Computational analyses are uncertain whether this variant is neutral or deleterious (REVEL: 0.351). Due to limited information, the clinical significance of this variant is uncertain at this time.

Ambry Genetics
Classification: Uncertain significance for Cardiovascular phenotype. Last evaluated: 2023-09-27. Review status: criteria provided, single submitter. Criteria: Ambry Variant Classification Scheme 2023. Collection method: clinical testing. Allele origin: germline.
Comment: The p.Q365R variant (also known as c.1094A>G), located in coding exon 10 of the DMD gene, results from an A to G substitution at nucleotide position 1094. The glutamine at codon 365 is replaced by arginine, an amino acid with highly similar properties. Based on data from gnomAD, the G allele has an overall frequency of 0.001% (1/183397) total alleles studied, with 0 hemizygote(s) observed. The highest observed frequency was 0.008% (1/13159) of African/ African American alleles. This amino acid position is highly conserved in available vertebrate species. In addition, the in silico prediction for this alteration is inconclusive. Since supporting evidence is limited at this time, the clinical significance of this alteration remains unclear.

Fulgent Genetics
Classification: Uncertain significance for Becker muscular dystrophy; Dilated cardiomyopathy 3B; Duchenne muscular dystrophy. Last evaluated: 2021-09-10. Review status: criteria provided, single submitter. Criteria: ACMG Guidelines, 2015. Collection method: clinical testing. Allele origin: unknown.

GeneDx
Classification: Uncertain significance. Last evaluated: 2019-10-07. Review status: criteria provided, single submitter. Criteria: GeneDx Variant Classification Process June 2021. Collection method: clinical testing. Allele origin: germline. Affected: yes.
Comment: Has not been previously published as pathogenic or benign to our knowledge; Reported in ClinVar as a variant of uncertain significance by another clinical laboratory (ClinVar Variant ID# 455857; Landrum et al., 2016); In silico analysis, which includes protein predictors and evolutionary conservation, supports a deleterious effect

Natera, Inc.
Classification: Uncertain significance for Becker muscular dystrophy; Cardiomyopathy; Duchenne muscular dystrophy; Dystrophin deficiency. Last evaluated: 2018-10-11. Review status: no assertion criteria provided. Collection method: clinical testing. Allele origin: germline. Not counted in ClinVar's aggregate classification.